The following is an entry in ClinVar:

NM_000238.4(KCNH2):c.2457C>A (p.Asn819Lys)

Gene: KCNH2 (potassium voltage-gated channel subfamily H member 2; minus strand). Cytogenetic location: 7q36.1.
Variant type: single nucleotide variant.
Coding change: c.2457C>A on transcript NM_000238.4 (MANE Select); coding-DNA position 2457, C replaced by A.
Protein change: p.Asn819Lys; replaces asparagine 819 with lysine.
Molecular consequence: missense variant. On other transcripts: non-coding transcript variant (2).
Genome position (GRCh38, 1-based): chr7:150,948,991, G>T on the plus strand (C>A on the coding strand, the complement: KCNH2 is on the minus strand). VCF-style: chr7-150948991-G-T. GRCh37 (hg19) VCF-style: chr7-150646079-G-T.
Other names: c.2169C>A, p.Asn723Lys (NM_001406753.1); c.1437C>A, p.Asn479Lys (NM_172057.3); short protein forms N479K, N723K, N819K.
Identifiers: ClinVar variation 3287576 (VCV003287576.2).

ClinVar aggregate classification (germline): Uncertain significance. Review status: criteria provided, multiple submitters, no conflicts (2 of 4 stars). 2 submissions from 2 submitters: Uncertain significance (2). Last evaluated 2024-11-18.

Conditions:
Cardiac arrhythmia. Also called: Arrhythmia; Cardiac rhythm disease. Identifiers: MedGen C0003811, MONDO:0007263, HP:0011675.
Cardiovascular phenotype. Identifiers: MedGen CN230736.

gnomAD v4.1: 2 of 1,614,046 alleles (0.00012%); highest among the groups gnomAD compares: Non-Finnish European, 0.000085%; no homozygotes.

Submissions (2):

Color Diagnostics, LLC DBA Color Health
Classification: Uncertain significance for Cardiac arrhythmia. Last evaluated: 2024-11-18. Review status: criteria provided, single submitter. Criteria: ACMG Guidelines, 2015. Collection method: clinical testing. Allele origin: germline.
Comment: This missense variant replaces asparagine with lysine at codon 819 of the KCNH2 protein. Computational prediction is inconclusive regarding the impact of this variant on protein structure and function. To our knowledge, functional studies have not been reported for this variant. This variant has not been reported in individuals affected with KCNH2-related disorders in the literature. This variant has been identified in 1/251446 chromosomes in the general population by the Genome Aggregation Database (gnomAD). The available evidence is insufficient to determine the role of this variant in disease conclusively. Therefore, this variant is classified as a Variant of Uncertain Significance.

Ambry Genetics
Classification: Uncertain significance for Cardiovascular phenotype. Last evaluated: 2024-04-30. Review status: criteria provided, single submitter. Criteria: Ambry Variant Classification Scheme 2023. Collection method: clinical testing. Allele origin: germline.
Comment: The p.N819K variant (also known as c.2457C>A), located in coding exon 10 of the KCNH2 gene, results from a C to A substitution at nucleotide position 2457. The asparagine at codon 819 is replaced by lysine, an amino acid with similar properties. This amino acid position is well conserved in available vertebrate species. In addition, the in silico prediction for this alteration is inconclusive. Based on the available evidence, the clinical significance of this variant remains unclear.